The following is an entry in ClinVar:

ClinVar aggregate classification (germline): Uncertain significance. Review status: criteria provided, multiple submitters, no conflicts (2 of 4 stars). 3 submissions from 3 submitters: Uncertain significance (3). Last evaluated 2023-10-01.

Conditions:
Retinal dystrophy. Also called: Inherited retinal dystrophy. Identifiers: Orphanet 71862, MedGen C0854723, MeSH D058499, MONDO:0019118, HP:0000556.

Allele frequency attached by ClinVar (database versions not stated): gnomAD exomes below 0.00001; TOPMed below 0.00001; gnomAD 0.00001.
gnomAD v4.1: 7 of 1,613,724 alleles (0.00043%); highest among the groups gnomAD compares: Non-Finnish European, 0.00051%; no homozygotes.

Submissions (3):

Dept Of Ophthalmology, Nagoya University
Classification: Uncertain significance for Retinal dystrophy. Last evaluated: 2023-10-01. Review status: criteria provided, single submitter. Criteria: Submitter's publication. Collection method: research. Allele origin: germline. Affected: yes.

Blueprint Genetics
Classification: Uncertain significance. Last evaluated: 2022-08-11. Review status: criteria provided, single submitter. Criteria: ACMG Guidelines, 2015. Collection method: clinical testing. Allele origin: germline.

Labcorp Genetics (formerly Invitae), Labcorp
Classification: Uncertain significance. Last evaluated: 2022-04-21. Review status: criteria provided, single submitter. Criteria: Invitae Variant Classification Sherloc (09022015). Collection method: clinical testing. Allele origin: germline.
Comment: In summary, the available evidence is currently insufficient to determine the role of this variant in disease. Therefore, it has been classified as a Variant of Uncertain Significance. Algorithms developed to predict the effect of missense changes on protein structure and function are either unavailable or do not agree on the potential impact of this missense change (SIFT: "Tolerated"; PolyPhen-2: "Probably Damaging"; Align-GVGD: "Class C0"). This variant has not been reported in the literature in individuals affected with SNRNP200-related conditions. This variant is present in population databases (rs770902648, gnomAD 0.005%). This sequence change replaces arginine, which is basic and polar, with histidine, which is basic and polar, at codon 2009 of the SNRNP200 protein (p.Arg2009His).

NM_014014.5(SNRNP200):c.6026G>A (p.Arg2009His)

Gene: SNRNP200 (small nuclear ribonucleoprotein U5 subunit 200; minus strand). Cytogenetic location: 2q11.2.
Variant type: single nucleotide variant.
Coding change: c.6026G>A on transcript NM_014014.5 (MANE Select); coding-DNA position 6026, G replaced by A.
Protein change: p.Arg2009His; replaces arginine 2009 with histidine.
Molecular consequence: missense variant.
Genome position (GRCh38, 1-based): chr2:96,277,147, C>T on the plus strand (G>A on the coding strand, the complement: SNRNP200 is on the minus strand). VCF-style: chr2-96277147-C-T. GRCh37 (hg19) VCF-style: chr2-96942885-C-T.
Other names: short protein forms R2009H.
Identifiers: ClinVar variation 2128675 (VCV002128675.6), dbSNP rs770902648, ClinGen allele CA1777842.